The following is an entry in ClinVar:

NM_080669.6(SLC46A1):c.906A>G (p.Lys302=)

Gene: SLC46A1 (solute carrier family 46 member 1; minus strand). Cytogenetic location: 17q11.2.
Variant type: single nucleotide variant.
Coding change: c.906A>G on transcript NM_080669.6 (MANE Select); coding-DNA position 906, A replaced by G.
Protein change: p.Lys302=; no amino-acid change (lysine 302 retained).
Molecular consequence: synonymous variant.
Genome position (GRCh38, 1-based): chr17:28,404,791, T>C on the plus strand (A>G on the coding strand, the complement: SLC46A1 is on the minus strand). VCF-style: chr17-28404791-T-C. GRCh37 (hg19) VCF-style: chr17-26731809-T-C.
Other names: c.906A>G, p.Lys302= (NM_001242366.3).
Identifiers: ClinVar variation 890430 (VCV000890430.14), dbSNP rs572650603, ClinGen allele CA8458258.

ClinVar aggregate classification (germline): Benign/Likely benign. Review status: criteria provided, multiple submitters, no conflicts (2 of 4 stars). 3 submissions from 3 submitters: Benign (1); Likely benign (2). Last evaluated 2026-01-21.

Conditions:
Congenital defect of folate absorption. Also called: Hereditary Folate Malabsorption. Identifiers: Orphanet 90045, MedGen C0342705, MONDO:0009238, OMIM 229050.

Allele frequency attached by ClinVar (database versions not stated): gnomAD below 0.00001 and 0.00009; TOPMed 0.00004; 1000 Genomes Project 30x 0.00016; 1000 Genomes Project 0.00020; gnomAD exomes 0.00059; ExAC 0.00070.
gnomAD v4.1: 467 of 1,613,854 alleles (0.029%); highest among the groups gnomAD compares: South Asian, 0.49%; 5 homozygotes.

Submissions (3):

Labcorp Genetics (formerly Invitae), Labcorp
Classification: Benign. Last evaluated: 2026-01-21. Review status: criteria provided, single submitter. Criteria: Invitae Variant Classification Sherloc (09022015). Collection method: clinical testing. Allele origin: germline.

Blueprint Genetics
Classification: Likely benign. Last evaluated: 2024-02-07. Review status: criteria provided, single submitter. Criteria: ACMG Guidelines, 2015. Collection method: clinical testing. Allele origin: germline.

Illumina Laboratory Services, Illumina
Classification: Likely benign for Congenital defect of folate absorption. Last evaluated: 2018-01-12. Review status: criteria provided, single submitter. Criteria: ICSL Variant Classification Criteria 13 December 2019. Collection method: clinical testing. Allele origin: germline.
Comment: This variant was observed in the ICSL laboratory as part of a predisposition screen in an ostensibly healthy population. It had not been previously curated by ICSL or reported in the Human Gene Mutation Database (HGMD: prior to June 1st, 2018), and was therefore a candidate for classification through an automated scoring system. Utilizing variant allele frequency, disease prevalence and penetrance estimates, and inheritance mode, an automated score was calculated to assess if this variant is too frequent to cause the disease. Based on the score and internal cut-off values, a variant classified as likely benign is not then subjected to further curation. The score for this variant resulted in a classification of likely benign for this disease.